The following is an entry in ClinVar:

NM_001042492.3(NF1):c.7979del (p.Leu2660fs)

Gene: NF1 (neurofibromin 1; plus strand). Cytogenetic location: 17q11.2.
Variant type: Deletion.
Coding change: c.7979del on transcript NM_001042492.3 (MANE Select); coding-DNA position 7979, one base deleted (T; older notation c.7979delT).
Protein change: p.Leu2660fs; shifts the reading frame from leucine 2660.
Molecular consequence: frameshift variant.
Genome position (GRCh38, 1-based): chr17:31,358,488, T deleted; the last of 3 consecutive T bases (chr17:31,358,486-31,358,488); deleting any one gives the same sequence. VCF-style (leftmost placement, unchanged base first): chr17-31358485-AT-A. GRCh37 (hg19) VCF-style: chr17-29685503-AT-A.
Other names: c.7916delT (NM_000267.3); c.7916delT, p.Leu2639Cysfs (NM_000267.4); short protein forms L2639fs, L2660fs.
Identifiers: ClinVar variation 1074177 (VCV001074177.7), dbSNP rs2151584799, ClinGen allele CA2499224250.

ClinVar aggregate classification (germline): Pathogenic. Review status: criteria provided, multiple submitters, no conflicts (2 of 4 stars). 2 submissions from 2 submitters: Pathogenic (2). Last evaluated 2025-09-08.

Conditions:
Hereditary cancer-predisposing syndrome. Also called: Neoplastic Syndromes, Hereditary; Hereditary neoplastic syndrome; Tumor predisposition; Hereditary Cancer Syndrome. Identifiers: Orphanet 140162, MedGen C0027672, MeSH D009386, MONDO:0015356.
Cardiovascular phenotype. Identifiers: MedGen CN230736.
Neurofibromatosis, type 1 (NF1). Also called: VON RECKLINGHAUSEN DISEASE; Peripheral type neurofibromatosis; NEUROFIBROMATOSIS, TYPE I, SOMATIC; Neurofibromatosis, type I. Identifiers: Orphanet 636, MedGen C0027831, MONDO:0018975, OMIM 162200. Disease mechanism: loss of function.

Submissions (2):

Labcorp Genetics (formerly Invitae), Labcorp
Classification: Pathogenic for Neurofibromatosis, type 1. Last evaluated: 2025-09-08. Review status: criteria provided, single submitter. Criteria: Invitae Variant Classification Sherloc (09022015). Collection method: clinical testing. Allele origin: germline.
Comment: This sequence change creates a premature translational stop signal (p.Leu2639Cysfs*19) in the NF1 gene. It is expected to result in an absent or disrupted protein product. Loss-of-function variants in NF1 are known to be pathogenic (PMID: 10712197, 23913538). This variant is not present in population databases (gnomAD no frequency). This variant has not been reported in the literature in individuals affected with NF1-related conditions. Invitae Evidence Modeling of clinical and family history, age, sex, and reported ancestry of multiple individuals with this NF1 variant has been performed. This variant is expected to be pathogenic with a positive predictive value of at least 99%. This is a validated machine learning model that incorporates the clinical features of 1,785,918 individuals referred to our laboratory for NF1 testing. ClinVar contains an entry for this variant (Variation ID: 1074177). For these reasons, this variant has been classified as Pathogenic.

Ambry Genetics
Classification: Pathogenic for Cardiovascular phenotype; Hereditary cancer-predisposing syndrome. Last evaluated: 2021-06-10. Review status: criteria provided, single submitter. Criteria: Ambry Variant Classification Scheme 2023. Collection method: clinical testing. Allele origin: germline.
Comment: The c.7916delT variant, located in coding exon 54 of the NF1 gene, results from a deletion of one nucleotide at nucleotide position 7916, causing a translational frameshift with a predicted alternate stop codon (p.L2639Cfs*19). This alteration is expected to result in loss of function by premature protein truncation or nonsense-mediated mRNA decay. As such, this alteration is interpreted as a disease-causing mutation.

Literature cited by the submitters: PubMed 10712197 (cited by Labcorp Genetics (formerly Invitae), Labcorp); PubMed 23913538 (cited by Labcorp Genetics (formerly Invitae), Labcorp).